The following is an entry in ClinVar:

ClinVar aggregate classification (germline): Uncertain significance. Review status: criteria provided, multiple submitters, no conflicts (2 of 4 stars). 2 submissions from 2 submitters: Uncertain significance (2). Last evaluated 2025-05-06.

Conditions:
Cardiovascular phenotype. Identifiers: MedGen CN230736.
Hypertrophic cardiomyopathy 14. Identifiers: MedGen C2750467, MONDO:0013197, OMIM 613251.

Allele frequency attached by ClinVar (database versions not stated): gnomAD exomes 0.00001.
gnomAD v4.1: 12 of 1,614,232 alleles (0.00074%); highest among the groups gnomAD compares: Non-Finnish European, 0.001%; no homozygotes.

Submissions (2):

Ambry Genetics
Classification: Uncertain significance for Cardiovascular phenotype. Last evaluated: 2025-05-06. Review status: criteria provided, single submitter. Criteria: Ambry Variant Classification Scheme 2023. Collection method: clinical testing. Allele origin: germline.
Comment: The p.F671S variant (also known as c.2012T>C), located in coding exon 15 of the MYH6 gene, results from a T to C substitution at nucleotide position 2012. The phenylalanine at codon 671 is replaced by serine, an amino acid with highly dissimilar properties. This amino acid position is highly conserved in available vertebrate species. In addition, this alteration is predicted to be deleterious by in silico analysis. Based on the available evidence, the clinical significance of this variant remains unclear.

Labcorp Genetics (formerly Invitae), Labcorp
Classification: Uncertain significance for Hypertrophic cardiomyopathy 14. Last evaluated: 2023-07-28. Review status: criteria provided, single submitter. Criteria: Invitae Variant Classification Sherloc (09022015). Collection method: clinical testing. Allele origin: germline.
Comment: In summary, the available evidence is currently insufficient to determine the role of this variant in disease. Therefore, it has been classified as a Variant of Uncertain Significance. Advanced modeling of protein sequence and biophysical properties (such as structural, functional, and spatial information, amino acid conservation, physicochemical variation, residue mobility, and thermodynamic stability) performed at Invitae indicates that this missense variant is expected to disrupt MYH6 protein function. ClinVar contains an entry for this variant (Variation ID: 2452925). This variant has not been reported in the literature in individuals affected with MYH6-related conditions. This variant is present in population databases (no rsID available, gnomAD 0.0009%). This sequence change replaces phenylalanine, which is neutral and non-polar, with serine, which is neutral and polar, at codon 671 of the MYH6 protein (p.Phe671Ser).

NM_002471.4(MYH6):c.2012T>C (p.Phe671Ser)

Gene: MYH6 (myosin heavy chain 6; minus strand). Cytogenetic location: 14q11.2.
Variant type: single nucleotide variant.
Coding change: c.2012T>C on transcript NM_002471.4 (MANE Select); coding-DNA position 2012, T replaced by C.
Protein change: p.Phe671Ser; replaces phenylalanine 671 with serine.
Molecular consequence: missense variant.
Genome position (GRCh38, 1-based): chr14:23,397,208, A>G on the plus strand (T>C on the coding strand, the complement: MYH6 is on the minus strand). VCF-style: chr14-23397208-A-G. GRCh37 (hg19) VCF-style: chr14-23866417-A-G.
Other names: short protein forms F671S.
Identifiers: ClinVar variation 2452925 (VCV002452925.6), dbSNP rs763764374, ClinGen allele CA257790990.